The following is an entry in ClinVar:

ClinVar aggregate classification (germline): Likely benign. Review status: criteria provided, multiple submitters, no conflicts (2 of 4 stars). 2 submissions from 2 submitters: Likely benign (2). Last evaluated 2023-12-01.

Allele frequency attached by ClinVar (database versions not stated): gnomAD exomes below 0.00001.
gnomAD v4.1: 2 of 1,614,186 alleles (0.00012%); highest among the groups gnomAD compares: African/African-American, 0.0013%; no homozygotes.

Submissions (2):

CeGaT Center for Human Genetics Tuebingen
Classification: Likely benign. Last evaluated: 2023-12-01. Review status: criteria provided, single submitter. Criteria: CeGaT Center For Human Genetics Tuebingen Variant Classification Criteria Version 2. Collection method: clinical testing. Allele origin: germline. Affected: yes. Observed: 1 variant allele.
Comment: CYP19A1: PM2:Supporting, BP4, BP7

Labcorp Genetics (formerly Invitae), Labcorp
Classification: Likely benign. Last evaluated: 2023-10-05. Review status: criteria provided, single submitter. Criteria: Invitae Variant Classification Sherloc (09022015). Collection method: clinical testing. Allele origin: germline.

NM_000103.4(CYP19A1):c.540T>C (p.Asn180=)

Genes: CYP19A1 (cytochrome P450 family 19 subfamily A member 1; minus strand), MIR4713HG (MIR4713 host gene; plus strand), PIRC66 (piwi-interacting RNA cluster 66; plus strand). Cytogenetic location: 15q21.2.
Variant type: single nucleotide variant.
Coding change: c.540T>C on transcript NM_000103.4 (MANE Select); coding-DNA position 540, T replaced by C.
Protein change: p.Asn180=; no amino-acid change (asparagine 180 retained).
Molecular consequence: synonymous variant.
Genome position (GRCh38, 1-based): chr15:51,222,437, A>G on the plus strand (T>C on the coding strand, the complement: CYP19A1 is on the minus strand). VCF-style: chr15-51222437-A-G. GRCh37 (hg19) VCF-style: chr15-51514634-A-G.
Other names: c.540T>C, p.Asn180= (NM_001347254.2, NM_001347255.2, NM_001347256.2 and 7 more transcripts).
Identifiers: ClinVar variation 2977386 (VCV002977386.25), dbSNP rs34896264, ClinGen allele CA270551150.